The following is an entry in ClinVar:

NM_015213.4(DENND5A):c.1111C>T (p.Arg371Trp)

Gene: DENND5A (DENN domain containing 5A; minus strand). Cytogenetic location: 11p15.4.
Variant type: single nucleotide variant.
Coding change: c.1111C>T on transcript NM_015213.4 (MANE Select); coding-DNA position 1111, C replaced by T.
Protein change: p.Arg371Trp; replaces arginine 371 with tryptophan.
Molecular consequence: missense variant. On other transcripts: non-coding transcript variant (1).
Genome position (GRCh38, 1-based): chr11:9,193,520, G>A on the plus strand (C>T on the coding strand, the complement: DENND5A is on the minus strand). VCF-style: chr11-9193520-G-A. GRCh37 (hg19) VCF-style: chr11-9215067-G-A.
Other names: c.1039C>T, p.Arg347Trp (NM_001348749.2); c.823C>T, p.Arg275Trp (NM_001348750.2); c.1111C>T, p.Arg371Trp (NM_001243254.2); short protein forms R275W, R371W, R347W.
Identifiers: ClinVar variation 4010915 (VCV004010915.2).
Genomic context (GRCh38, chr11:9,193,520, plus strand): 5'-TTGGGGCCAGAGGCACCAACACTCAAGATCTCACCTCTTGAGGCAGCTCCAGCTTTGACC[G>A]GTCATCCAGGCCATTGGAATGCAAACCCATCAGGTATGGAACAGGAGCATCTAAGAAATG-3'
Protein context (NP_056028.2, residues 361-381): MGLHSNGLDD[Arg371Trp]SKLELPQEAN

ClinVar aggregate classification (germline): Uncertain significance. Review status: criteria provided, multiple submitters, no conflicts (2 of 4 stars). 2 submissions from 2 submitters: Uncertain significance (2). Last evaluated 2026-02-21.

Conditions:
Inborn genetic diseases. Identifiers: MedGen C0950123, MeSH D030342.

Submissions (2):

GeneDx
Classification: Uncertain significance. Last evaluated: 2026-02-21. Review status: criteria provided, single submitter. Criteria: GeneDx Variant Classification Process June 2021. Collection method: clinical testing. Allele origin: germline.
Comment: Not observed at significant frequency in large population cohorts (gnomAD); In silico analysis supports that this missense variant has a deleterious effect on protein structure/function; Has not been previously published as pathogenic or benign to our knowledge

Ambry Genetics
Classification: Uncertain significance for Inborn genetic diseases. Last evaluated: 2025-04-12. Review status: criteria provided, single submitter. Criteria: Ambry Variant Classification Scheme 2023. Collection method: clinical testing. Allele origin: germline.